The following is an entry in ClinVar:

NM_001369.3(DNAH5):c.8022G>C (p.Glu2674Asp)

Gene: DNAH5 (dynein axonemal heavy chain 5; minus strand). Cytogenetic location: 5p15.2.
Variant type: single nucleotide variant.
Coding change: c.8022G>C on transcript NM_001369.3 (MANE Select); coding-DNA position 8022, G replaced by C.
Protein change: p.Glu2674Asp; replaces glutamic acid 2674 with aspartic acid.
Molecular consequence: missense variant.
Genome position (GRCh38, 1-based): chr5:13,793,717, C>G on the plus strand (G>C on the coding strand, the complement: DNAH5 is on the minus strand). VCF-style: chr5-13793717-C-G. GRCh37 (hg19) VCF-style: chr5-13793826-C-G.
Other names: short protein forms E2674D.
Identifiers: ClinVar variation 1761707 (VCV001761707.2), dbSNP rs2546744210, ClinGen allele CA359221655.
Genomic context (GRCh38, chr5:13,793,717, plus strand): 5'-GAACTCCCCAGGCTTCTCTAGATTATAGAATCCATTTTGTTCCATCAGCTGTCGCACTAT[C>G]TCATTCGTAACCTACAAAAGACAACTTTCAGAATTAAAGCATCATTCCTTTCTATCCCCG-3'
Protein context (NP_001360.1, residues 2664-2684): INEWGDQVTN[Glu2674Asp]IVRQLMEQNG

ClinVar aggregate classification (germline): Uncertain significance (1 of 4 stars; one submission).

Conditions:
Primary ciliary dyskinesia. Also called: Ciliary dyskinesia. Identifiers: Orphanet 244, MedGen C0008780, MONDO:0016575, HP:0012265.

Submission:

Ambry Genetics
Classification: Uncertain significance for Primary ciliary dyskinesia. Last evaluated: 2015-05-26. Review status: criteria provided, single submitter. Criteria: Ambry Variant Classification Scheme 2023. Collection method: clinical testing. Allele origin: germline.
Comment: The p.E2674D variant (also known as c.8022G>C), located in coding exon 49 of the DNAH5 gene, results from a G to C substitution at nucleotide position 8022. The glutamic acid at codon 2674 is replaced by aspartic acid, an amino acid with highly similar properties. This variant was not reported in population based cohorts in the following databases: Database of Single Nucleotide Polymorphisms (dbSNP), NHLBI Exome Sequencing Project (ESP), and 1000 Genomes Project. In the ESP, this variant was not observed in 6503 samples (13006 alleles) with coverage at this position. This amino acid position is conserved in all available species, except sloth. In addition, the in silico prediction for this alteration is inconclusive. Since supporting evidence is limited at this time, the clinical significance of this variant remains unclear.